The following is an entry in ClinVar:

ClinVar aggregate classification (germline): Uncertain significance (1 of 4 stars; one submission).

Allele frequency attached by ClinVar (database versions not stated): gnomAD 0.00001 and 0.00002; gnomAD exomes 0.00001; TOPMed 0.00001; ExAC 0.00002; ESP Exome Variant Server 0.00008; 1000 Genomes Project 30x 0.00016; 1000 Genomes Project 0.00020.
gnomAD v4.1: 3 of 1,614,002 alleles (0.00019%); highest among the groups gnomAD compares: African/African-American, 0.004%; no homozygotes.

Submission:

Labcorp Genetics (formerly Invitae), Labcorp
Classification: Uncertain significance. Last evaluated: 2025-02-17. Review status: criteria provided, single submitter. Criteria: Invitae Variant Classification Sherloc (09022015). Collection method: clinical testing. Allele origin: germline.
Comment: This sequence change replaces alanine, which is neutral and non-polar, with valine, which is neutral and non-polar, at codon 184 of the TUBGCP6 protein (p.Ala184Val). This variant is present in population databases (rs150345345, gnomAD 0.007%). This variant has not been reported in the literature in individuals affected with TUBGCP6-related conditions. ClinVar contains an entry for this variant (Variation ID: 862442). An algorithm developed to predict the effect of missense changes on protein structure and function (PolyPhen-2) suggests that this variant is likely to be disruptive. In summary, the available evidence is currently insufficient to determine the role of this variant in disease. Therefore, it has been classified as a Variant of Uncertain Significance.

NM_020461.4(TUBGCP6):c.551C>T (p.Ala184Val)

Gene: TUBGCP6 (tubulin gamma complex component 6; minus strand). Cytogenetic location: 22q13.33.
Variant type: single nucleotide variant.
Coding change: c.551C>T on transcript NM_020461.4 (MANE Select); coding-DNA position 551, C replaced by T.
Protein change: p.Ala184Val; replaces alanine 184 with valine.
Molecular consequence: missense variant.
Genome position (GRCh38, 1-based): chr22:50,243,909, G>A on the plus strand (C>T on the coding strand, the complement: TUBGCP6 is on the minus strand). VCF-style: chr22-50243909-G-A. GRCh37 (hg19) VCF-style: chr22-50682338-G-A.
Other names: short protein forms A184V.
Identifiers: ClinVar variation 862442 (VCV000862442.8), dbSNP rs150345345, ClinGen allele CA10309032.